The following is an entry in ClinVar:

ClinVar aggregate classification (germline): Likely pathogenic (1 of 4 stars; one submission).

Conditions:
Immunodeficiency 35 (IMD35). Also called: HIES WITH ATYPICAL MYCOBACTERIOSIS, AUTOSOMAL RECESSIVE; HYPER-IgE SYNDROME WITH ATYPICAL MYCOBACTERIOSIS, AUTOSOMAL RECESSIVE; Susceptibility to infection due to TYK2 deficiency; TYK2 DEFICIENCY. Identifiers: Orphanet 331226, MedGen C1969086, MONDO:0012682, OMIM 611521.

gnomAD v4.1: 3 of 1,614,096 alleles (0.00019%); highest among the groups gnomAD compares: Non-Finnish European, 0.00025%; no homozygotes.

Submission:

Labcorp Genetics (formerly Invitae), Labcorp
Classification: Likely pathogenic for Immunodeficiency 35. Last evaluated: 2024-09-10. Review status: criteria provided, single submitter. Criteria: Invitae Variant Classification Sherloc (09022015). Collection method: clinical testing. Allele origin: germline.
Comment: This sequence change affects an acceptor splice site in intron 4 of the TYK2 gene. It is expected to disrupt RNA splicing. Variants that disrupt the donor or acceptor splice site typically lead to a loss of protein function (PMID: 16199547), and loss-of-function variants in TYK2 are known to be pathogenic (PMID: 22402565, 26304966). This variant is not present in population databases (gnomAD no frequency). This variant has not been reported in the literature in individuals affected with TYK2-related conditions. Algorithms developed to predict the effect of sequence changes on RNA splicing suggest that this variant may disrupt the consensus splice site. In summary, the currently available evidence indicates that the variant is pathogenic, but additional data are needed to prove that conclusively. Therefore, this variant has been classified as Likely Pathogenic.

Literature cited by the submitters: PubMed 16199547; PubMed 22402565; PubMed 26304966.

NM_003331.5(TYK2):c.318-2A>G

Gene: TYK2 (tyrosine kinase 2; minus strand). Cytogenetic location: 19p13.2.
Variant type: single nucleotide variant.
Coding change: c.318-2A>G on transcript NM_003331.5 (MANE Select); the canonical splice acceptor site of the intron before coding-DNA position 318, A replaced by G.
Molecular consequence: splice acceptor variant.
Genome position (GRCh38, 1-based): chr19:10,368,204, T>C on the plus strand (A>G on the coding strand, the complement: TYK2 is on the minus strand). VCF-style: chr19-10368204-T-C. GRCh37 (hg19) VCF-style: chr19-10478880-T-C.
Other names: c.318-2A>G (NM_001385199.1, NM_001406461.1, NM_001385205.1 and 9 more transcripts).
Identifiers: ClinVar variation 3631091 (VCV003631091.2).